The following is an entry in ClinVar:

ClinVar aggregate classification (germline): Uncertain significance. Review status: criteria provided, multiple submitters, no conflicts (2 of 4 stars). 2 submissions from 2 submitters: Uncertain significance (2). Last evaluated 2023-10-28.

Conditions:
Hereditary cancer-predisposing syndrome. Also called: Neoplastic Syndromes, Hereditary; Hereditary Cancer Syndrome; Tumor predisposition; Hereditary neoplastic syndrome. Identifiers: Orphanet 140162, MedGen C0027672, MeSH D009386, MONDO:0015356.
Familial adenomatous polyposis 1 (FAP1). Also called: FAMILIAL ADENOMATOUS POLYPOSIS 1, ATTENUATED; POLYPOSIS, ADENOMATOUS INTESTINAL. Identifiers: MedGen C2713442, MONDO:0021056, OMIM 175100. Disease mechanism: loss of function.

Allele frequency attached by ClinVar (database versions not stated): gnomAD exomes below 0.00001.
gnomAD v4.1: 1 of 1,614,142 alleles (0.000062%); highest among the groups gnomAD compares: Non-Finnish European, 0.000085%; no homozygotes.

Submissions (2):

Ambry Genetics
Classification: Uncertain significance for Hereditary cancer-predisposing syndrome. Last evaluated: 2023-10-28. Review status: criteria provided, single submitter. Criteria: Ambry Variant Classification Scheme 2023. Collection method: clinical testing. Allele origin: germline.
Comment: The p.S1631T variant (also known as c.4892G>C), located in coding exon 15 of the APC gene, results from a G to C substitution at nucleotide position 4892. The serine at codon 1631 is replaced by threonine, an amino acid with similar properties. This amino acid position is not well conserved in available vertebrate species. In addition, in silico predictors for this gene do not accurately predict pathogenicity. Since supporting evidence is limited at this time, the clinical significance of this alteration remains unclear.

Labcorp Genetics (formerly Invitae), Labcorp
Classification: Uncertain significance for Familial adenomatous polyposis 1. Last evaluated: 2021-12-14. Review status: criteria provided, single submitter. Criteria: Invitae Variant Classification Sherloc (09022015). Collection method: clinical testing. Allele origin: germline.
Comment: In summary, the available evidence is currently insufficient to determine the role of this variant in disease. Therefore, it has been classified as a Variant of Uncertain Significance. Algorithms developed to predict the effect of missense changes on protein structure and function (SIFT, PolyPhen-2, Align-GVGD) all suggest that this variant is likely to be tolerated. This variant has not been reported in the literature in individuals affected with APC-related conditions. This variant is not present in population databases (gnomAD no frequency). This sequence change replaces serine, which is neutral and polar, with threonine, which is neutral and polar, at codon 1631 of the APC protein (p.Ser1631Thr).

NM_000038.6(APC):c.4892G>C (p.Ser1631Thr)

Gene: APC (APC regulator of Wnt signaling pathway; plus strand). Cytogenetic location: 5q22.2.
Variant type: single nucleotide variant.
Coding change: c.4892G>C on transcript NM_000038.6 (MANE Select); coding-DNA position 4892, G replaced by C.
Protein change: p.Ser1631Thr; replaces serine 1631 with threonine.
Molecular consequence: missense variant.
Genome position (GRCh38, 1-based): chr5:112,840,486, G>C. VCF-style: chr5-112840486-G-C. GRCh37 (hg19) VCF-style: chr5-112176183-G-C.
Other names: c.4892G>C (NM_000038.5); c.4892G>C, p.Ser1631Thr (NM_001127510.3, NM_001354895.2); c.4838G>C, p.Ser1613Thr (NM_001127511.3); c.4946G>C, p.Ser1649Thr (NM_001354896.2); c.4922G>C, p.Ser1641Thr (NM_001354897.2); c.4817G>C, p.Ser1606Thr (NM_001354898.2); c.4808G>C, p.Ser1603Thr (NM_001354899.2); c.4769G>C, p.Ser1590Thr (NM_001354900.2); and 6 more; short protein forms S1348T, S1572T, S1649T, S1471T, S1540T, S1603T, S1641T, S1505T.
Identifiers: ClinVar variation 1475541 (VCV001475541.7), dbSNP rs949655717, ClinGen allele CA16032052.